The following is an entry in ClinVar:

ClinVar aggregate classification (germline): Likely pathogenic (1 of 4 stars; one submission).

gnomAD v4.1: 20 of 1,613,760 alleles (0.0012%); highest among the groups gnomAD compares: East Asian, 0.029%; no homozygotes.

Submission:

Labcorp Genetics (formerly Invitae), Labcorp
Classification: Likely pathogenic. Last evaluated: 2025-09-02. Review status: criteria provided, single submitter. Criteria: Invitae Variant Classification Sherloc (09022015). Collection method: clinical testing. Allele origin: germline.
Comment: This sequence change replaces arginine, which is basic and polar, with glutamine, which is neutral and polar, at codon 41 of the PROSC protein (p.Arg41Gln). This variant is present in population databases (no rsID available, gnomAD no frequency). This missense change has been observed in individuals with pyridoxine-dependent epilepsy (PMID: 30525118, 30668673). Invitae Evidence Modeling of protein sequence and biophysical properties (such as structural, functional, and spatial information, amino acid conservation, physicochemical variation, residue mobility, and thermodynamic stability) indicates that this missense variant is not expected to disrupt PROSC protein function with a negative predictive value of 80%. This variant disrupts the p.Arg41 amino acid residue in PROSC. Other variant(s) that disrupt this residue have been observed in individuals with PROSC-related conditions (PMID: 30525118, 31741821), which suggests that this may be a clinically significant amino acid residue. In summary, the currently available evidence indicates that the variant is pathogenic, but additional data are needed to prove that conclusively. Therefore, this variant has been classified as Likely Pathogenic.

Literature cited by the submitters: PubMed 30525118; PubMed 30668673; PubMed 31741821.

NM_007198.4(PLPBP):c.122G>A (p.Arg41Gln)

Gene: PLPBP (pyridoxal phosphate binding protein; plus strand). Cytogenetic location: 8p11.23.
Variant type: single nucleotide variant.
Coding change: c.122G>A on transcript NM_007198.4 (MANE Select); coding-DNA position 122, G replaced by A.
Protein change: p.Arg41Gln; replaces arginine 41 with glutamine.
Molecular consequence: missense variant. On other transcripts: 5 prime UTR variant (1).
Genome position (GRCh38, 1-based): chr8:37,765,548, G>A. VCF-style: chr8-37765548-G-A. GRCh37 (hg19) VCF-style: chr8-37623066-G-A.
Other names: c.122G>A, p.Arg41Gln (NM_001349346.2, NM_001349347.2); c.-35G>A (NM_001349348.2); c.227G>A, p.Arg76Gln (NM_001349349.1); short protein forms R41Q, R76Q.
Identifiers: ClinVar variation 4739088 (VCV004739088.1).